The following is an entry in ClinVar:

NM_024301.5(FKRP):c.1061G>A (p.Gly354Glu)

Gene: FKRP (fukutin related protein; plus strand). Cytogenetic location: 19q13.32.
Variant type: single nucleotide variant.
Coding change: c.1061G>A on transcript NM_024301.5 (MANE Select); coding-DNA position 1061, G replaced by A.
Protein change: p.Gly354Glu; replaces glycine 354 with glutamic acid.
Molecular consequence: missense variant.
Genome position (GRCh38, 1-based): chr19:46,756,511, G>A. VCF-style: chr19-46756511-G-A. GRCh37 (hg19) VCF-style: chr19-47259768-G-A.
Other names: c.1061G>A, p.Gly354Glu (NM_001039885.3); short protein forms G354E.
Identifiers: ClinVar variation 1403211 (VCV001403211.8), dbSNP rs781414509, ClinGen allele CA9532238.

ClinVar aggregate classification (germline): Conflicting classifications of pathogenicity. Review status: criteria provided, conflicting classifications (1 of 4 stars). 4 submissions from 4 submitters: Uncertain significance (3); Likely benign (1). Last evaluated 2024-04-11.

Conditions:
Cardiovascular phenotype. Identifiers: MedGen CN230736.
Walker-Warburg congenital muscular dystrophy. Also called: Muscular dystrophy-dystroglycanopathy, type A; Walker-Warburg syndrome. Identifiers: Orphanet 899, MedGen C0265221, MONDO:0000171.
Intellectual disability. Also called: Intellectual functioning disability; Intellectual developmental disorder; intellectual disabilities. Identifiers: MedGen C3714756, MeSH D008607, MONDO:0001071, HP:0001249.
Muscular dystrophy-dystroglycanopathy (congenital with brain and eye anomalies), type A1 (MDDGA1). Also called: WALKER-WARBURG SYNDROME OR MUSCLE-EYE-BRAIN DISEASE, POMT1-RELATED; Hydrocephalus, agyria and retinal dysplasia; Hard +/- E syndrome; Warburg syndrome; Chemke syndrome; Pagon syndrome. Identifiers: Orphanet 588, Orphanet 899, MedGen C4284790, MONDO:0009364, OMIM 236670.
Muscular dystrophy-dystroglycanopathy (congenital with brain and eye anomalies), type A5. Also called: WALKER-WARBURG SYNDROME OR MUSCLE-EYE-BRAIN DISEASE, FKRP-RELATED; MUSCULAR DYSTROPHY-DYSTROGLYCANOPATHY (CONGENITAL WITH BRAIN AND EYE ANOMALIES), TYPE A, 5. Identifiers: Orphanet 588, Orphanet 899, MedGen C3150413, MONDO:0013157, OMIM 613153.
Muscular dystrophy-dystroglycanopathy type B5 (MDDGB5). Also called: MUSCULAR DYSTROPHY, CONGENITAL, 1C; MUSCULAR DYSTROPHY, CONGENITAL, FKRP-RELATED; MUSCULAR DYSTROPHY-DYSTROGLYCANOPATHY (CONGENITAL WITH OR WITHOUT IMPAIRED INTELLECTUAL DEVELOPMENT), TYPE B, 5. Identifiers: MedGen C1847759, MONDO:0011688, OMIM 606612.
Autosomal recessive limb-girdle muscular dystrophy type 2I. Also called: MUSCULAR DYSTROPHY, LIMB-GIRDLE, TYPE 2I; MUSCULAR DYSTROPHY-DYSTROGLYCANOPATHY (LIMB-GIRDLE), TYPE C, 5; MUSCULAR DYSTROPHY-DYSTROGLYCANOPATHY, LIMB-GIRDLE, FRKP-RELATED. Identifiers: Orphanet 34515, MedGen C1846672, MONDO:0011787, OMIM 607155.

Allele frequency attached by ClinVar (database versions not stated): TOPMed 0.00003; gnomAD 0.00001; gnomAD exomes 0.00012; ExAC 0.00028.
gnomAD v4.1: 67 of 1,585,812 alleles (0.0042%); highest among the groups gnomAD compares: South Asian, 0.065%; no homozygotes.

Submissions (4):

Ambry Genetics
Classification: Uncertain significance for Cardiovascular phenotype. Last evaluated: 2024-04-11. Review status: criteria provided, single submitter. Criteria: Ambry Variant Classification Scheme 2023. Collection method: clinical testing. Allele origin: germline.
Comment: The p.G354E variant (also known as c.1061G>A), located in coding exon 1 of the FKRP gene, results from a G to A substitution at nucleotide position 1061. The glycine at codon 354 is replaced by glutamic acid, an amino acid with similar properties. This alteration was reported as homozygous in a congenital hydrocephalus cohort with limited clinical details (Jin SC et al. Nat Med, 2020 Nov;26:1754-1765). This amino acid position is not well conserved in available vertebrate species. In addition, the in silico prediction for this alteration is inconclusive. Based on the available evidence, the clinical significance of this variant remains unclear.

Labcorp Genetics (formerly Invitae), Labcorp
Classification: Uncertain significance for Walker-Warburg congenital muscular dystrophy. Last evaluated: 2022-08-21. Review status: criteria provided, single submitter. Criteria: Invitae Variant Classification Sherloc (09022015). Collection method: clinical testing. Allele origin: germline.
Comment: This sequence change replaces glycine, which is neutral and non-polar, with glutamic acid, which is acidic and polar, at codon 354 of the FKRP protein (p.Gly354Glu). This variant is present in population databases (rs781414509, gnomAD 0.08%). This missense change has been observed in individual(s) with congenital hydrocephalus (PMID: 33077954). ClinVar contains an entry for this variant (Variation ID: 1403211). Algorithms developed to predict the effect of missense changes on protein structure and function are either unavailable or do not agree on the potential impact of this missense change (SIFT: "Tolerated"; PolyPhen-2: "Possibly Damaging"; Align-GVGD: "Class C0"). In summary, the available evidence is currently insufficient to determine the role of this variant in disease. Therefore, it has been classified as a Variant of Uncertain Significance.

Fulgent Genetics
Classification: Uncertain significance for Muscular dystrophy-dystroglycanopathy (congenital with brain and eye anomalies), type A1; Muscular dystrophy-dystroglycanopathy type B5; Autosomal recessive limb-girdle muscular dystrophy type 2I; Muscular dystrophy-dystroglycanopathy (congenital with brain and eye anomalies), type A5. Last evaluated: 2021-08-11. Review status: criteria provided, single submitter. Criteria: ACMG Guidelines, 2015. Collection method: clinical testing. Allele origin: unknown.

Cambridge Genomics Laboratory, East Genomic Laboratory Hub, NHS Genomic Medicine Service
Classification: Likely benign for Intellectual disability. Last evaluated: 2020-03-30. Review status: criteria provided, single submitter. Criteria: ACGS Best Practice Guidelines for Variant Classification in Rare Disease 2020. Collection method: clinical testing. Allele origin: germline. Affected: yes. Observed: 1 variant allele.

Literature cited by the submitters: PubMed 33077954 (cited by Ambry Genetics and Labcorp Genetics (formerly Invitae), Labcorp).